The following is an entry in ClinVar:

ClinVar aggregate classification (germline): Uncertain significance (1 of 4 stars; one submission).

Conditions:
Spermatogenic failure 46. Identifiers: MedGen C5436799, MONDO:0033673, OMIM 619095.

Submission:

Johns Hopkins Genomics, Johns Hopkins University
Classification: Uncertain significance for Spermatogenic failure 46. Last evaluated: 2021-01-19. Review status: criteria provided, single submitter. Criteria: ACMG Guidelines, 2015. Collection method: clinical testing. Allele origin: germline.
Comment: This DNAH8 variant is absent from a large population dataset and has not been reported in ClinVar nor the literature, to our knowledge. One bioinformatic tool queried predicts that this substitution would be tolerated, and the lysine residue at this position is highly evolutionarily conserved across most species assessed. We consider the clinical significance of c.2970A>T to be uncertain at this time.

NM_001206927.2(DNAH8):c.3006A>T (p.Lys1002Asn)

Gene: DNAH8 (dynein axonemal heavy chain 8; plus strand). Cytogenetic location: 6p21.2.
Variant type: single nucleotide variant.
Coding change: c.3006A>T on transcript NM_001206927.2 (MANE Select); coding-DNA position 3006, A replaced by T.
Protein change: p.Lys1002Asn; replaces lysine 1002 with asparagine.
Molecular consequence: missense variant.
Genome position (GRCh38, 1-based): chr6:38,803,283, A>T. VCF-style: chr6-38803283-A-T. GRCh37 (hg19) VCF-style: chr6-38771059-A-T.
Other names: c.2355A>T, p.Lys785Asn (NM_001371.4); short protein forms K1002N, K785N.
Identifiers: ClinVar variation 996093 (VCV000996093.1), dbSNP rs1268449600, ClinGen allele CA363994475.